The following is an entry in ClinVar:

ClinVar aggregate classification (germline): Likely pathogenic. Review status: criteria provided, multiple submitters, no conflicts (2 of 4 stars). 3 submissions from 3 submitters: Likely pathogenic (2). 1 of the submissions does not count toward it. Last evaluated 2020-12-22.

Conditions:
Primary ciliary dyskinesia. Also called: Ciliary dyskinesia. Identifiers: Orphanet 244, MedGen C0008780, MONDO:0016575, HP:0012265.

Allele frequency attached by ClinVar (database versions not stated): gnomAD 0.00001.
gnomAD v4.1: 12 of 1,613,940 alleles (0.00074%); highest among the groups gnomAD compares: African/African-American, 0.0013%; no homozygotes.

Submissions (3):

Labcorp Genetics (formerly Invitae), Labcorp
Classification: Likely pathogenic for Primary ciliary dyskinesia. Last evaluated: 2020-12-22. Review status: criteria provided, single submitter. Criteria: Invitae Variant Classification Sherloc (09022015). Collection method: clinical testing. Allele origin: germline.
Comment: Algorithms developed to predict the effect of sequence changes on RNA splicing suggest that this variant may disrupt the consensus splice site, but this prediction has not been confirmed by published transcriptional studies. In summary, the currently available evidence indicates that the variant is pathogenic, but additional data are needed to prove that conclusively. Therefore, this variant has been classified as Likely Pathogenic. Donor and acceptor splice site variants typically lead to a loss of protein function (PMID: 16199547), and loss-of-function variants in DNAH5 are known to be pathogenic (PMID: 11788826, 16627867). This variant has not been reported in the literature in individuals with DNAH5-related conditions. This variant is not present in population databases (ExAC no frequency). This sequence change affects a donor splice site in intron 76 of the DNAH5 gene. It is expected to disrupt RNA splicing and likely results in an absent or disrupted protein product.

Ambry Genetics
Classification: Likely pathogenic for Primary ciliary dyskinesia. Last evaluated: 2016-10-28. Review status: criteria provided, single submitter. Criteria: Ambry Variant Classification Scheme 2023. Collection method: clinical testing. Allele origin: germline.
Comment: The c.13338+1G>C intronic variant results from a G to C substitution one nucleotide after coding exon 76 of the DNAH5 gene. This variant was not reported in population based cohorts in the following databases: Database of Single Nucleotide Polymorphisms (dbSNP), NHLBI Exome Sequencing Project (ESP), and 1000 Genomes Project. In the ESP, this variant was not observed in 6503 samples (13006 alleles) with coverage at this position. This nucleotide position is highly conserved in available vertebrate species. Using the BDGP and ESEfinder splice site prediction tools, this alteration is predicted to abolish the native splice donor site; however, direct evidence is unavailable. Alterations that disrupt the canonical splice site are expected to cause aberrant splicing, resulting in an abnormal protein or a transcript that is subject to nonsense-mediated mRNA decay. As such, this alteration is classified as likely pathogenic.

Natera, Inc.
Classification: Likely pathogenic for Primary ciliary dyskinesia. Last evaluated: 2020-07-30. Review status: no assertion criteria provided. Collection method: clinical testing. Allele origin: germline. Not counted in ClinVar's aggregate classification.

Literature cited by the submitters: PubMed 16199547 (cited by Labcorp Genetics (formerly Invitae), Labcorp); PubMed 11788826 (cited by Labcorp Genetics (formerly Invitae), Labcorp); PubMed 16627867 (cited by Labcorp Genetics (formerly Invitae), Labcorp).

NM_001369.3(DNAH5):c.13338+1G>C

Gene: DNAH5 (dynein axonemal heavy chain 5; minus strand). Cytogenetic location: 5p15.2.
Variant type: single nucleotide variant.
Coding change: c.13338+1G>C on transcript NM_001369.3 (MANE Select); the canonical splice donor site of the intron after coding-DNA position 13338, G replaced by C.
Molecular consequence: splice donor variant.
Genome position (GRCh38, 1-based): chr5:13,708,122, C>G on the plus strand (G>C on the coding strand, the complement: DNAH5 is on the minus strand). VCF-style: chr5-13708122-C-G. GRCh37 (hg19) VCF-style: chr5-13708231-C-G.
Other names: c.13338+1G>C (NM_001369.2).
Identifiers: ClinVar variation 1067811 (VCV001067811.21), dbSNP rs1219958424, ClinGen allele CA359196212.